The following is an entry in ClinVar:

NM_001110556.2(FLNA):c.7510C>G (p.Pro2504Ala)

Gene: FLNA (filamin A; minus strand). Cytogenetic location: Xq28.
Variant type: single nucleotide variant.
Coding change: c.7510C>G on transcript NM_001110556.2 (MANE Select); coding-DNA position 7510, C replaced by G.
Protein change: p.Pro2504Ala; replaces proline 2504 with alanine.
Molecular consequence: missense variant.
Genome position (GRCh38, 1-based): chrX:154,349,691, G>C on the plus strand (C>G on the coding strand, the complement: FLNA is on the minus strand). VCF-style: chrX-154349691-G-C. GRCh37 (hg19) VCF-style: chrX-153578059-G-C.
Other names: c.7486C>G, p.Pro2496Ala (NM_001456.4); short protein forms P2496A, P2504A.
Identifiers: ClinVar variation 1315116 (VCV001315116.2), dbSNP rs2148100786, ClinGen allele CA415181661.

ClinVar aggregate classification (germline): Uncertain significance (1 of 4 stars; one submission).

Submission:

GeneDx
Classification: Uncertain significance. Last evaluated: 2020-01-30. Review status: criteria provided, single submitter. Criteria: GeneDx Variant Classification Process June 2021. Collection method: clinical testing. Allele origin: germline. Affected: yes.
Comment: Not observed in large population cohorts (Lek et al., 2016); In silico analysis, which includes protein predictors and evolutionary conservation, supports a deleterious effect; Has not been previously published as pathogenic or benign to our knowledge